The following is an entry in ClinVar:

ClinVar aggregate classification (germline): Pathogenic (1 of 4 stars; one submission).

Conditions:
Brachyolmia-amelogenesis imperfecta syndrome. Also called: PLATYSPONDYLY WITH AMELOGENESIS IMPERFECTA; Tooth agenesis, selective, 6; Dental anomalies and short stature. Identifiers: Orphanet 2899, MedGen C1832594, MONDO:0011018, OMIM 601216. Disease mechanism: loss of function.

Submission:

Labcorp Genetics (formerly Invitae), Labcorp
Classification: Pathogenic for Brachyolmia-amelogenesis imperfecta syndrome. Last evaluated: 2024-06-12. Review status: criteria provided, single submitter. Criteria: Invitae Variant Classification Sherloc (09022015). Collection method: clinical testing. Allele origin: germline.
Comment: This sequence change creates a premature translational stop signal (p.Gln491Serfs*22) in the LTBP3 gene. It is expected to result in an absent or disrupted protein product. Loss-of-function variants in LTBP3 are known to be pathogenic (PMID: 11790802, 19344874, 25669657). This variant is not present in population databases (gnomAD no frequency). This variant has not been reported in the literature in individuals affected with LTBP3-related conditions. For these reasons, this variant has been classified as Pathogenic.

Literature cited by the submitters: PubMed 11790802; PubMed 19344874; PubMed 25669657.

NM_001130144.3(LTBP3):c.1471del (p.Gln491fs)

Gene: LTBP3 (latent transforming growth factor beta binding protein 3; minus strand). Cytogenetic location: 11q13.1.
Variant type: Deletion.
Coding change: c.1471del on transcript NM_001130144.3 (MANE Select); coding-DNA position 1471, one base deleted (C; older notation c.1471delC).
Protein change: p.Gln491fs; shifts the reading frame from glutamine 491.
Molecular consequence: frameshift variant.
Genome position (GRCh38, 1-based): chr11:65,552,032, G deleted on the plus strand (C on the coding strand, the reverse complement: LTBP3 is on the minus strand); the first of 4 consecutive G bases (chr11:65,552,032-65,552,035); deleting any one gives the same sequence. VCF-style (leftmost placement, unchanged base first): chr11-65552031-TG-T. GRCh37 (hg19) VCF-style: chr11-65319502-TG-T.
Other names: c.1120del, p.Gln374fs (NM_001164266.1); c.1471del, p.Gln491fs (NM_021070.4); short protein forms Q374fs, Q491fs.
Identifiers: ClinVar variation 3704411 (VCV003704411.2).